The following is an entry in ClinVar:

NM_005215.4(DCC):c.3872G>A (p.Arg1291Gln)

Gene: DCC (DCC netrin 1 receptor; plus strand). Cytogenetic location: 18q21.2.
Variant type: single nucleotide variant.
Coding change: c.3872G>A on transcript NM_005215.4 (MANE Select); coding-DNA position 3872, G replaced by A.
Protein change: p.Arg1291Gln; replaces arginine 1291 with glutamine.
Molecular consequence: missense variant.
Genome position (GRCh38, 1-based): chr18:53,486,932, G>A. VCF-style: chr18-53486932-G-A. GRCh37 (hg19) VCF-style: chr18-51013302-G-A.
Other names: short protein forms R1291Q.
Identifiers: ClinVar variation 375864 (VCV000375864.1), dbSNP rs768577706, ClinGen allele CA8967654.

ClinVar aggregate classification (germline): Uncertain significance (0 of 4 stars; one submission).

Conditions:
Colorectal cancer. Also called: Colorectal cancer, somatic; Malignant Colorectal Neoplasm. Identifiers: MedGen C0346629, MONDO:0005575, OMIM 114500.

Allele frequency attached by ClinVar (database versions not stated): TOPMed 0.00002; ExAC 0.00003.
gnomAD v4.1: 57 of 1,614,164 alleles (0.0035%); highest among the groups gnomAD compares: Admixed American, 0.013%; no homozygotes.

Submission:

CSER _CC_NCGL, University of Washington
Classification: Uncertain significance for Colorectal cancer. Last evaluated: 2016-08-01. Review status: no assertion criteria provided. Collection method: research. Allele origin: germline. Inheritance: Autosomal dominant inheritance. Study: CSER - NEXT Medicine variant annotation.
Comment: This gene does not have an established association with colon cancer risk.